The following is an entry in ClinVar:

NM_001134363.3(RBM20):c.1337+5G>A

Gene: RBM20 (RNA binding motif protein 20; plus strand). Cytogenetic location: 10q25.2.
Variant type: single nucleotide variant.
Coding change: c.1337+5G>A on transcript NM_001134363.3 (MANE Select); 5 bases into the intron after coding-DNA position 1337, G replaced by A.
Molecular consequence: intron variant.
Genome position (GRCh38, 1-based): chr10:110,783,432, G>A. VCF-style: chr10-110783432-G-A. GRCh37 (hg19) VCF-style: chr10-112543190-G-A.
Identifiers: ClinVar variation 1009964 (VCV001009964.4), dbSNP rs1844379788, ClinGen allele CA2499220156.

ClinVar aggregate classification (germline): Uncertain significance (1 of 4 stars; one submission).

Conditions:
Dilated cardiomyopathy 1DD (CMD1DD). Identifiers: Orphanet 154, MedGen C2750995, MONDO:0013168, OMIM 613172.

Submission:

Labcorp Genetics (formerly Invitae), Labcorp
Classification: Uncertain significance for Dilated cardiomyopathy 1DD. Last evaluated: 2020-02-11. Review status: criteria provided, single submitter. Criteria: Invitae Variant Classification Sherloc (09022015). Collection method: clinical testing. Allele origin: germline.
Comment: This sequence change falls in intron 3 of the RBM20 gene. It does not directly change the encoded amino acid sequence of the RBM20 protein, but it affects a nucleotide within the consensus splice site of the intron. This variant is not present in population databases (ExAC no frequency). This variant has not been reported in the literature in individuals with RBM20-related conditions. Nucleotide substitutions within the consensus splice site are a relatively common cause of aberrant splicing (PMID: 17576681, 9536098). Algorithms developed to predict the effect of sequence changes on RNA splicing suggest that this variant may disrupt the consensus splice site, but this prediction has not been confirmed by published transcriptional studies. In summary, the available evidence is currently insufficient to determine the role of this variant in disease. Therefore, it has been classified as a Variant of Uncertain Significance.

Literature cited by the submitters: PubMed 17576681; PubMed 9536098.